The following is an entry in ClinVar:

ClinVar aggregate classification (germline): Pathogenic/Likely pathogenic. Review status: criteria provided, multiple submitters, no conflicts (2 of 4 stars). 2 submissions from 2 submitters: Pathogenic (1); Likely pathogenic (1). Last evaluated 2022-12-02.

Conditions:
Hyperornithinemia-hyperammonemia-homocitrullinuria syndrome (HHHS). Also called: Ornithine translocase deficiency; HHH SYNDROME. Identifiers: Orphanet 415, MedGen C0268540, MONDO:0009393, OMIM 238970.

Submissions (2):

Labcorp Genetics (formerly Invitae), Labcorp
Classification: Pathogenic for Hyperornithinemia-hyperammonemia-homocitrullinuria syndrome. Last evaluated: 2022-12-02. Review status: criteria provided, single submitter. Criteria: Invitae Variant Classification Sherloc (09022015). Collection method: clinical testing. Allele origin: germline.
Comment: This sequence change creates a premature translational stop signal (p.Asn109Metfs*22) in the SLC25A15 gene. It is expected to result in an absent or disrupted protein product. Loss-of-function variants in SLC25A15 are known to be pathogenic (PMID: 11552031, 19242930). This variant is not present in population databases (gnomAD no frequency). This variant has not been reported in the literature in individuals affected with SLC25A15-related conditions. For these reasons, this variant has been classified as Pathogenic.

Baylor Genetics
Classification: Likely pathogenic for Hyperornithinemia-hyperammonemia-homocitrullinuria syndrome. Last evaluated: 2022-07-26. Review status: criteria provided, single submitter. Criteria: ACMG Guidelines, 2015. Collection method: clinical testing. Allele origin: unknown.

Literature cited by the submitters: PubMed 11552031 (cited by Labcorp Genetics (formerly Invitae), Labcorp); PubMed 19242930 (cited by Labcorp Genetics (formerly Invitae), Labcorp).

NM_014252.4(SLC25A15):c.326del (p.Asn109fs)

Gene: SLC25A15 (solute carrier family 25 member 15; plus strand). Cytogenetic location: 13q14.11.
Variant type: Deletion.
Coding change: c.326del on transcript NM_014252.4 (MANE Select); coding-DNA position 326, one base deleted (A; older notation c.326delA).
Protein change: p.Asn109fs; shifts the reading frame from asparagine 109.
Molecular consequence: frameshift variant.
Genome position (GRCh38, 1-based): chr13:40,805,129, A deleted; the last of 2 consecutive A bases (chr13:40,805,128-40,805,129); deleting either gives the same sequence. VCF-style (leftmost placement, unchanged base first): chr13-40805127-GA-G. GRCh37 (hg19) VCF-style: chr13-41379263-GA-G.
Other names: short protein forms N109fs.
Identifiers: ClinVar variation 1976744 (VCV001976744.6), dbSNP rs2546920755, ClinGen allele CA2575400324.
Genomic context (GRCh38, chr13:40,805,127, plus strand): 5'-GCCAAAGGAATGAAGAAACTGAGGGGTAACTGTCTGCTTGTGTGCTTTCAGTGATCTGCA[GA>G]ATGCAGCCGCCGGTTCCTTCGCCTCTGCCTTTGCTGCACTGGTGCTCTGCCCCACGGAGC-3'